The following is an entry in ClinVar:

NM_001080467.3(MYO5B):c.2876T>C (p.Val959Ala)

Gene: MYO5B (myosin VB; minus strand). Cytogenetic location: 18q21.1.
Variant type: single nucleotide variant.
Coding change: c.2876T>C on transcript NM_001080467.3 (MANE Select); coding-DNA position 2876, T replaced by C.
Protein change: p.Val959Ala; replaces valine 959 with alanine.
Molecular consequence: missense variant.
Genome position (GRCh38, 1-based): chr18:49,895,110, A>G on the plus strand (T>C on the coding strand, the complement: MYO5B is on the minus strand). VCF-style: chr18-49895110-A-G. GRCh37 (hg19) VCF-style: chr18-47421480-A-G.
Other names: short protein forms V959A.
Identifiers: ClinVar variation 1501443 (VCV001501443.5), dbSNP rs1303946117, ClinGen allele CA402430031.

ClinVar aggregate classification (germline): Uncertain significance (1 of 4 stars; one submission).

Allele frequency attached by ClinVar (database versions not stated): gnomAD exomes below 0.00001; gnomAD 0.00001.
gnomAD v4.1: 3 of 1,613,914 alleles (0.00019%); highest among the groups gnomAD compares: Non-Finnish European, 0.00025%; no homozygotes.

Submission:

Labcorp Genetics (formerly Invitae), Labcorp
Classification: Uncertain significance. Last evaluated: 2021-09-01. Review status: criteria provided, single submitter. Criteria: Invitae Variant Classification Sherloc (09022015). Collection method: clinical testing. Allele origin: germline.
Comment: This sequence change replaces valine with alanine at codon 959 of the MYO5B protein (p.Val959Ala). The valine residue is highly conserved and there is a small physicochemical difference between valine and alanine. This variant is not present in population databases (ExAC no frequency). This variant has not been reported in the literature in individuals affected with MYO5B-related conditions. Algorithms developed to predict the effect of missense changes on protein structure and function are either unavailable or do not agree on the potential impact of this missense change (SIFT: "Deleterious"; PolyPhen-2: "Benign"; Align-GVGD: "Class C0"). In summary, the available evidence is currently insufficient to determine the role of this variant in disease. Therefore, it has been classified as a Variant of Uncertain Significance.